The following is an entry in ClinVar:

ClinVar aggregate classification (germline): Uncertain significance. Review status: criteria provided, multiple submitters, no conflicts (2 of 4 stars). 2 submissions from 2 submitters: Uncertain significance (2). Last evaluated 2025-11-25.

Conditions:
Inborn genetic diseases. Identifiers: MedGen C0950123, MeSH D030342.

Allele frequency attached by ClinVar (database versions not stated): TOPMed 0.00003; gnomAD 0.00004 and 0.00005; ExAC 0.00008; gnomAD exomes 0.00008; 1000 Genomes Project 30x 0.00016; 1000 Genomes Project 0.00020.
gnomAD v4.1: 37 of 1,614,180 alleles (0.0023%); highest among the groups gnomAD compares: Admixed American, 0.037%; no homozygotes.

Submissions (2):

Labcorp Genetics (formerly Invitae), Labcorp
Classification: Uncertain significance. Last evaluated: 2025-11-25. Review status: criteria provided, single submitter. Criteria: Invitae Variant Classification Sherloc (09022015). Collection method: clinical testing. Allele origin: germline.
Comment: This sequence change replaces arginine, which is basic and polar, with tryptophan, which is neutral and slightly polar, at codon 1074 of the CTR9 protein (p.Arg1074Trp). This variant is present in population databases (rs202230543, gnomAD 0.05%), and has an allele count higher than expected for a pathogenic variant. This variant has not been reported in the literature in individuals affected with CTR9-related conditions. ClinVar contains an entry for this variant (Variation ID: 1520888). An algorithm developed to predict the effect of missense changes on protein structure and function (PolyPhen-2) suggests that this variant is likely to be disruptive. In summary, the available evidence is currently insufficient to determine the role of this variant in disease. Therefore, it has been classified as a Variant of Uncertain Significance.

Ambry Genetics
Classification: Uncertain significance for Inborn genetic diseases. Last evaluated: 2025-04-01. Review status: criteria provided, single submitter. Criteria: Ambry Variant Classification Scheme 2023. Collection method: clinical testing. Allele origin: germline.

NM_014633.5(CTR9):c.3220C>T (p.Arg1074Trp)

Gene: CTR9 (CTR9 component of Paf1/RNA polymerase II complex; plus strand). Cytogenetic location: 11p15.4.
Variant type: single nucleotide variant.
Coding change: c.3220C>T on transcript NM_014633.5 (MANE Select); coding-DNA position 3220, C replaced by T.
Protein change: p.Arg1074Trp; replaces arginine 1074 with tryptophan.
Molecular consequence: missense variant.
Genome position (GRCh38, 1-based): chr11:10,778,803, C>T. VCF-style: chr11-10778803-C-T. GRCh37 (hg19) VCF-style: chr11-10800350-C-T.
Other names: c.3148C>T, p.Arg1050Trp (NM_001346279.2); c.3220C>T (NM_014633.3); short protein forms R1050W, R1074W.
Identifiers: ClinVar variation 1520888 (VCV001520888.7), dbSNP rs202230543, ClinGen allele CA5885545.